The following is an entry in ClinVar:

NM_013382.7(POMT2):c.1006C>T (p.His336Tyr)

Gene: POMT2 (protein O-mannosyltransferase 2; minus strand). Cytogenetic location: 14q24.3.
Variant type: single nucleotide variant.
Coding change: c.1006C>T on transcript NM_013382.7 (MANE Select); coding-DNA position 1006, C replaced by T.
Protein change: p.His336Tyr; replaces histidine 336 with tyrosine.
Molecular consequence: missense variant.
Genome position (GRCh38, 1-based): chr14:77,298,689, G>A on the plus strand (C>T on the coding strand, the complement: POMT2 is on the minus strand). VCF-style: chr14-77298689-G-A. GRCh37 (hg19) VCF-style: chr14-77765032-G-A.
Other names: c.1006C>T (NM_013382.5); short protein forms H336Y.
Identifiers: ClinVar variation 289786 (VCV000289786.10), dbSNP rs765103940, ClinGen allele CA7286022.
Genomic context (GRCh38, chr14:77,298,689, plus strand): 5'-AATTCAACTCCCAGGACACCCCTCTGCCTTCTACCTTTGTAATGGCCCAGAGACACTCAC[G>A]TTCAGGGATGGAAGCATTGTGCAGGTTGTTCCCTGAAAGCCGGGCCTGGAAGGCAGAACT-3'
Protein context (NP_037514.2, residues 326-346): NNLHNASIPE[His336Tyr]LAYGSVITVK

ClinVar aggregate classification (germline): Uncertain significance. Review status: criteria provided, multiple submitters, no conflicts (2 of 4 stars). 3 submissions from 3 submitters: Uncertain significance (3). Last evaluated 2024-07-09.

Conditions:
Muscular dystrophy-dystroglycanopathy (congenital with brain and eye anomalies), type A2. Also called: WALKER-WARBURG SYNDROME OR MUSCLE-EYE-BRAIN DISEASE, POMT2-RELATED; MUSCULAR DYSTROPHY-DYSTROGLYCANOPATHY (CONGENITAL WITH BRAIN AND EYE ANOMALIES), TYPE A, 2. Identifiers: Orphanet 588, Orphanet 899, MedGen C3150411, MONDO:0013154, OMIM 613150.
Muscular dystrophy-dystroglycanopathy (congenital with impaired intellectual development), type B, 2. Also called: Muscular dystrophy-dystroglycanopathy (congenital with intellectual disability), type B2; MUSCULAR DYSTROPHY, CONGENITAL, POMT2-RELATED. Identifiers: MedGen C3150416, MONDO:0013160, OMIM 613156.
Autosomal recessive limb-girdle muscular dystrophy type 2N. Also called: MUSCULAR DYSTROPHY-DYSTROGLYCANOPATHY, LIMB-GIRDLE, POMT2-RELATED; Muscular dystrophy-dystroglycanopathy (limb-girdle), type C, 2. Identifiers: Orphanet 206559, MedGen C3150418, MONDO:0013162, OMIM 613158.

Allele frequency attached by ClinVar (database versions not stated): ExAC 0.00001; TOPMed 0.00002; gnomAD exomes below 0.00001 and 0.00001; gnomAD 0.00001 and 0.00002.

Submissions (3):

Revvity Omics, Revvity
Classification: Uncertain significance. Last evaluated: 2024-07-09. Review status: criteria provided, single submitter. Criteria: ACMG Guidelines, 2015. Collection method: clinical testing. Allele origin: germline.

Labcorp Genetics (formerly Invitae), Labcorp
Classification: Uncertain significance for Muscular dystrophy-dystroglycanopathy (congenital with impaired intellectual development), type B, 2; Muscular dystrophy-dystroglycanopathy (congenital with brain and eye anomalies), type A2; Autosomal recessive limb-girdle muscular dystrophy type 2N. Last evaluated: 2022-08-16. Review status: criteria provided, single submitter. Criteria: Invitae Variant Classification Sherloc (09022015). Collection method: clinical testing. Allele origin: germline.
Comment: This sequence change replaces histidine, which is basic and polar, with tyrosine, which is neutral and polar, at codon 336 of the POMT2 protein (p.His336Tyr). The frequency data for this variant in the population databases is considered unreliable, as metrics indicate poor data quality at this position in the gnomAD database. This variant has not been reported in the literature in individuals affected with POMT2-related conditions. ClinVar contains an entry for this variant (Variation ID: 289786). Algorithms developed to predict the effect of missense changes on protein structure and function output the following: SIFT: "Tolerated"; PolyPhen-2: "Benign"; Align-GVGD: "Class C0". The tyrosine amino acid residue is found in multiple mammalian species, which suggests that this missense change does not adversely affect protein function. Algorithms developed to predict the effect of sequence changes on RNA splicing suggest that this variant may disrupt the consensus splice site. In summary, the available evidence is currently insufficient to determine the role of this variant in disease. Therefore, it has been classified as a Variant of Uncertain Significance.

Eurofins Ntd Llc (ga)
Classification: Uncertain significance. Last evaluated: 2016-07-22. Review status: criteria provided, single submitter. Criteria: EGL Classification Definitions 2015. Collection method: clinical testing. Allele origin: germline. Observed: 1 variant allele, 1 heterozygote.